The following is an entry in ClinVar:

ClinVar aggregate classification (germline): Uncertain significance. Review status: criteria provided, multiple submitters, no conflicts (2 of 4 stars). 2 submissions from 2 submitters: Uncertain significance (2). Last evaluated 2026-01-15.

Conditions:
Cowden syndrome 6 (CWS6). Identifiers: Orphanet 201, MedGen C3554519, MONDO:0014048, OMIM 615109.
Inborn genetic diseases. Identifiers: MedGen C0950123, MeSH D030342.

Submissions (2):

Ambry Genetics
Classification: Uncertain significance for Inborn genetic diseases. Last evaluated: 2026-01-15. Review status: criteria provided, single submitter. Criteria: Ambry Variant Classification Scheme 2023. Collection method: clinical testing. Allele origin: germline.
Comment: The p.I19V variant (also known as c.55A>G), located in coding exon 2 of the AKT1 gene, results from an A to G substitution at nucleotide position 55. The isoleucine at codon 19 is replaced by valine, an amino acid with highly similar properties. This amino acid position is conserved. In addition, this alteration is predicted to be tolerated by in silico analysis. Based on the available evidence, the clinical significance of this variant remains unclear.

Labcorp Genetics (formerly Invitae), Labcorp
Classification: Uncertain significance for Cowden syndrome 6. Last evaluated: 2023-08-28. Review status: criteria provided, single submitter. Criteria: Invitae Variant Classification Sherloc (09022015). Collection method: clinical testing. Allele origin: germline.
Comment: In summary, the available evidence is currently insufficient to determine the role of this variant in disease. Therefore, it has been classified as a Variant of Uncertain Significance. An algorithm developed to predict the effect of missense changes on protein structure and function (PolyPhen-2) suggests that this variant is likely to be disruptive. This variant has not been reported in the literature in individuals affected with AKT1-related conditions. This variant is not present in population databases (gnomAD no frequency). This sequence change replaces isoleucine, which is neutral and non-polar, with valine, which is neutral and non-polar, at codon 19 of the AKT1 protein (p.Ile19Val).

NM_001382430.1(AKT1):c.55A>G (p.Ile19Val)

Gene: AKT1 (AKT serine/threonine kinase 1; minus strand). Cytogenetic location: 14q32.33.
Variant type: single nucleotide variant.
Coding change: c.55A>G on transcript NM_001382430.1 (MANE Select); coding-DNA position 55, A replaced by G.
Protein change: p.Ile19Val; replaces isoleucine 19 with valine.
Molecular consequence: missense variant.
Genome position (GRCh38, 1-based): chr14:104,780,208, T>C on the plus strand (A>G on the coding strand, the complement: AKT1 is on the minus strand). VCF-style: chr14-104780208-T-C. GRCh37 (hg19) VCF-style: chr14-105246545-T-C.
Other names: c.55A>G, p.Ile19Val (NM_001014431.2, NM_001014432.2, NM_001382431.1 and 3 more transcripts); short protein forms I19V.
Identifiers: ClinVar variation 2756169 (VCV002756169.4), dbSNP rs2140949945, ClinGen allele CA391221838.